The following is an entry in ClinVar:

ClinVar aggregate classification (germline): Likely benign (1 of 4 stars; one submission).

Allele frequency attached by ClinVar (database versions not stated): 1000 Genomes Project 0.00559; 1000 Genomes Project 30x 0.00593; TOPMed 0.01035; gnomAD 0.01039 and 0.01062.
gnomAD v4.1: 1,572 of 152,296 alleles (1%); highest among the groups gnomAD compares: Non-Finnish European, 1.6%; 13 homozygotes.

Submissions (2):

GeneDx
Classification: Likely benign. Last evaluated: 2018-06-16. Review status: criteria provided, single submitter. Criteria: GeneDx Variant Classification (06012015). Collection method: clinical testing. Allele origin: germline. Affected: yes.
Comment: This variant is considered likely benign or benign based on one or more of the following criteria: it is a conservative change, it occurs at a poorly conserved position in the protein, it is predicted to be benign by multiple in silico algorithms, and/or has population frequency not consistent with disease.

Dr. Peter K. Rogan Lab, Western University
No classification provided (evidence only). Condition: Acute myeloid leukemia. Review status: no classification provided. Collection method: in vitro. Allele origin: not applicable. Functional consequence: skipped exon, retained intron. Not counted in ClinVar's aggregate classification.

NM_001972.4(ELANE):c.366+192G>T

Gene: ELANE (elastase, neutrophil expressed; plus strand). Cytogenetic location: 19p13.3.
Variant type: single nucleotide variant.
Coding change: c.366+192G>T on transcript NM_001972.4 (MANE Select); 192 bases into the intron after coding-DNA position 366, G replaced by T.
Molecular consequence: intron variant.
Genome position (GRCh38, 1-based): chr19:853,595, G>T. VCF-style: chr19-853595-G-T. GRCh37 (hg19) VCF-style: chr19-853595-G-T.
Other names: NC_000019.9:g.853595G>T.
Identifiers: ClinVar variation 677257 (VCV000677257.2), dbSNP rs17223024, ClinGen allele CA303943483.